The following is an entry in ClinVar:

ClinVar aggregate classification (germline): Uncertain significance (1 of 4 stars; one submission).

Submission:

Labcorp Genetics (formerly Invitae), Labcorp
Classification: Uncertain significance. Last evaluated: 2026-01-02. Review status: criteria provided, single submitter. Criteria: Invitae Variant Classification Sherloc (09022015). Collection method: clinical testing. Allele origin: germline.
Comment: This sequence change replaces glutamic acid, which is acidic and polar, with aspartic acid, which is acidic and polar, at codon 75 of the MYH3 protein (p.Glu75Asp). This variant is not present in population databases (gnomAD no frequency). This variant has not been reported in the literature in individuals affected with MYH3-related conditions. Invitae Evidence Modeling of protein sequence and biophysical properties (such as structural, functional, and spatial information, amino acid conservation, physicochemical variation, residue mobility, and thermodynamic stability) indicates that this missense variant is not expected to disrupt MYH3 protein function with a negative predictive value of 95%. In summary, the available evidence is currently insufficient to determine the role of this variant in disease. Therefore, it has been classified as a Variant of Uncertain Significance.

NM_002470.4(MYH3):c.225G>T (p.Glu75Asp)

Gene: MYH3 (myosin heavy chain 3; minus strand). Cytogenetic location: 17p13.1.
Variant type: single nucleotide variant.
Coding change: c.225G>T on transcript NM_002470.4 (MANE Select); coding-DNA position 225, G replaced by T.
Protein change: p.Glu75Asp; replaces glutamic acid 75 with aspartic acid.
Molecular consequence: missense variant.
Genome position (GRCh38, 1-based): chr17:10,652,543, C>A on the plus strand (G>T on the coding strand, the complement: MYH3 is on the minus strand). VCF-style: chr17-10652543-C-A. GRCh37 (hg19) VCF-style: chr17-10555860-C-A.
Other names: short protein forms E75D.
Identifiers: ClinVar variation 4800685 (VCV004800685.1).